The following is an entry in ClinVar:

ClinVar aggregate classification (germline): Uncertain significance (1 of 4 stars; one submission).

Submission:

Labcorp Genetics (formerly Invitae), Labcorp
Classification: Uncertain significance. Last evaluated: 2025-08-09. Review status: criteria provided, single submitter. Criteria: Invitae Variant Classification Sherloc (09022015). Collection method: clinical testing. Allele origin: germline.
Comment: This sequence change replaces phenylalanine, which is neutral and non-polar, with cysteine, which is neutral and slightly polar, at codon 285 of the ZNF513 protein (p.Phe285Cys). This variant is not present in population databases (gnomAD no frequency). This variant has not been reported in the literature in individuals affected with ZNF513-related conditions. An algorithm developed to predict the effect of missense changes on protein structure and function (PolyPhen-2) suggests that this variant is likely to be disruptive. In summary, the available evidence is currently insufficient to determine the role of this variant in disease. Therefore, it has been classified as a Variant of Uncertain Significance.

NM_144631.6(ZNF513):c.854T>G (p.Phe285Cys)

Gene: ZNF513 (zinc finger protein 513; minus strand). Cytogenetic location: 2p23.3.
Variant type: single nucleotide variant.
Coding change: c.854T>G on transcript NM_144631.6 (MANE Select); coding-DNA position 854, T replaced by G.
Protein change: p.Phe285Cys; replaces phenylalanine 285 with cysteine.
Molecular consequence: missense variant.
Genome position (GRCh38, 1-based): chr2:27,378,317, A>C on the plus strand (T>G on the coding strand, the complement: ZNF513 is on the minus strand). VCF-style: chr2-27378317-A-C. GRCh37 (hg19) VCF-style: chr2-27601184-A-C.
Other names: c.668T>G, p.Phe223Cys (NM_001201459.2); short protein forms F223C, F285C.
Identifiers: ClinVar variation 4767716 (VCV004767716.1).